The following is an entry in ClinVar:

NM_001374828.1(ARID1B):c.829G>C (p.Glu277Gln)

Genes: ARID1B (AT-rich interaction domain 1B; plus strand), LOC115308161 (uncharacterized LOC115308161; minus strand), LOC129997525 (ATAC-STARR-seq lymphoblastoid silent region 17712; plus strand). Cytogenetic location: 6q25.3.
Variant type: single nucleotide variant.
Coding change: c.829G>C on transcript NM_001374828.1 (MANE Select); coding-DNA position 829, G replaced by C.
Protein change: p.Glu277Gln; replaces glutamic acid 277 with glutamine.
Molecular consequence: missense variant. On other transcripts: non-coding transcript variant (1).
Genome position (GRCh38, 1-based): chr6:156,778,509, G>C. VCF-style: chr6-156778509-G-C. GRCh37 (hg19) VCF-style: chr6-157099643-G-C.
Other names: c.829G>C, p.Glu277Gln (NM_001371656.1, NM_001374820.1, NM_001438482.1 and 9 more transcripts); short protein forms E277Q.
Identifiers: ClinVar variation 4747316 (VCV004747316.1).

ClinVar aggregate classification (germline): Uncertain significance (1 of 4 stars; one submission).

Submission:

Labcorp Genetics (formerly Invitae), Labcorp
Classification: Uncertain significance. Last evaluated: 2025-04-17. Review status: criteria provided, single submitter. Criteria: Invitae Variant Classification Sherloc (09022015). Collection method: clinical testing. Allele origin: germline.
Comment: This sequence change replaces glutamic acid, which is acidic and polar, with glutamine, which is neutral and polar, at codon 194 of the ARID1B protein (p.Glu194Gln). The frequency data for this variant in the population databases is considered unreliable, as metrics indicate insufficient coverage at this position in the gnomAD database. This variant has not been reported in the literature in individuals affected with ARID1B-related conditions. Invitae Evidence Modeling of protein sequence and biophysical properties (such as structural, functional, and spatial information, amino acid conservation, physicochemical variation, residue mobility, and thermodynamic stability) indicates that this missense variant is not expected to disrupt ARID1B protein function with a negative predictive value of 95%. In summary, the available evidence is currently insufficient to determine the role of this variant in disease. Therefore, it has been classified as a Variant of Uncertain Significance.